The following is an entry in ClinVar:

ClinVar aggregate classification (germline): Uncertain significance (1 of 4 stars; one submission).

Submission:

Labcorp Genetics (formerly Invitae), Labcorp
Classification: Uncertain significance. Last evaluated: 2024-06-21. Review status: criteria provided, single submitter. Criteria: Invitae Variant Classification Sherloc (09022015). Collection method: clinical testing. Allele origin: germline.
Comment: This sequence change affects codon 350 of the CCDC8 mRNA. It is a 'silent' change, meaning that it does not change the encoded amino acid sequence of the CCDC8 protein. This variant is present in population databases (no rsID available, gnomAD 0.003%). This variant has not been reported in the literature in individuals affected with CCDC8-related conditions. In summary, the available evidence is currently insufficient to determine the role of this variant in disease. Therefore, it has been classified as a Variant of Uncertain Significance.

NM_032040.5(CCDC8):c.1050G>A (p.Glu350=)

Gene: CCDC8 (coiled-coil domain containing 8 subunit of 3M complex; minus strand). Cytogenetic location: 19q13.32.
Variant type: single nucleotide variant.
Coding change: c.1050G>A on transcript NM_032040.5 (MANE Select); coding-DNA position 1050, G replaced by A.
Protein change: p.Glu350=; no amino-acid change (glutamic acid 350 retained).
Molecular consequence: synonymous variant.
Genome position (GRCh38, 1-based): chr19:46,411,761, C>T on the plus strand (G>A on the coding strand, the complement: CCDC8 is on the minus strand). VCF-style: chr19-46411761-C-T. GRCh37 (hg19) VCF-style: chr19-46915018-C-T.
Identifiers: ClinVar variation 3656622 (VCV003656622.2).